The following is an entry in ClinVar:

NM_001142730.3(KCTD1):c.2446G>A (p.Glu816Lys)

Gene: KCTD1 (potassium channel tetramerization domain containing 1; minus strand). Cytogenetic location: 18q11.2.
Variant type: single nucleotide variant.
Coding change: c.2446G>A on transcript NM_001142730.3 (MANE Select); coding-DNA position 2446, G replaced by A.
Protein change: p.Glu816Lys; replaces glutamic acid 816 with lysine.
Molecular consequence: missense variant.
Genome position (GRCh38, 1-based): chr18:26,455,895, C>T on the plus strand (G>A on the coding strand, the complement: KCTD1 is on the minus strand). VCF-style: chr18-26455895-C-T. GRCh37 (hg19) VCF-style: chr18-24035859-C-T.
Other names: c.622G>A, p.Glu208Lys (NM_001136205.2, NM_001258221.2, NM_001351443.1 and 1 more transcripts); c.646G>A, p.Glu216Lys (NM_001258222.3); short protein forms E208K, E216K, E816K.
Identifiers: ClinVar variation 3287794 (VCV003287794.2).

ClinVar aggregate classification (germline): Uncertain significance. Review status: criteria provided, multiple submitters, no conflicts (2 of 4 stars). 2 submissions from 2 submitters: Uncertain significance (2). Last evaluated 2025-08-24.

gnomAD v4.1: 61 of 1,612,810 alleles (0.0038%); highest among the groups gnomAD compares: African/African-American, 0.047%; no homozygotes.

Submissions (2):

Labcorp Genetics (formerly Invitae), Labcorp
Classification: Uncertain significance. Last evaluated: 2025-08-24. Review status: criteria provided, single submitter. Criteria: Invitae Variant Classification Sherloc (09022015). Collection method: clinical testing. Allele origin: germline.
Comment: This sequence change replaces glutamic acid, which is acidic and polar, with lysine, which is basic and polar, at codon 208 of the KCTD1 protein (p.Glu208Lys). This variant is present in population databases (rs369233166, gnomAD 0.03%). This variant has not been reported in the literature in individuals affected with KCTD1-related conditions. ClinVar contains an entry for this variant (Variation ID: 3287794). Invitae Evidence Modeling of protein sequence and biophysical properties (such as structural, functional, and spatial information, amino acid conservation, physicochemical variation, residue mobility, and thermodynamic stability) indicates that this missense variant is not expected to disrupt KCTD1 protein function with a negative predictive value of 80%. In summary, the available evidence is currently insufficient to determine the role of this variant in disease. Therefore, it has been classified as a Variant of Uncertain Significance.

Ambry Genetics
Classification: Uncertain significance. Last evaluated: 2024-05-28. Review status: criteria provided, single submitter. Criteria: Ambry Variant Classification Scheme 2023. Collection method: clinical testing. Allele origin: germline.